The following is an entry in ClinVar:

NM_000210.4(ITGA6):c.2728G>A (p.Asp910Asn)

Genes: PDK1-AS1 (PDK1 and ITGA6 antisense RNA 1; minus strand), ITGA6 (integrin subunit alpha 6; plus strand). Cytogenetic location: 2q31.1.
Variant type: single nucleotide variant.
Coding change: c.2728G>A on transcript NM_000210.4 (MANE Select); coding-DNA position 2728, G replaced by A.
Protein change: p.Asp910Asn; replaces aspartic acid 910 with asparagine.
Molecular consequence: missense variant.
Genome position (GRCh38, 1-based): chr2:172,491,072, G>A. VCF-style: chr2-172491072-G-A. GRCh37 (hg19) VCF-style: chr2-173355800-G-A.
Other names: c.2728G>A, p.Asp910Asn (NM_001079818.3); c.2371G>A, p.Asp791Asn (NM_001316306.2); c.2683G>A, p.Asp895Asn (NM_001365529.2, NM_001365530.2); short protein forms D910N, D895N, D791N.
Identifiers: ClinVar variation 332378 (VCV000332378.25), dbSNP rs61737182, ClinGen allele CA1968473.
Genomic context (GRCh38, chr2:172,491,072, plus strand): 5'-AATTTTTTTCAGGAGTCTCACAACTCAAGAAAGAAACGGGAAATTACTGAAAAACAGATA[G>A]ATGATAACAGAAAATTTTCTTTATTTGCTGAAAGAAAATACCAGACTCTTGTAAGTATTT-3'
Protein context (NP_000201.2, residues 900-920): KKREITEKQI[Asp910Asn]DNRKFSLFAE

ClinVar aggregate classification (germline): Benign/Likely benign. Review status: criteria provided, multiple submitters, no conflicts (2 of 4 stars). 6 submissions from 6 submitters: Benign (1); Likely benign (3). 2 of the submissions do not count toward it. Last evaluated 2026-02-01.

Conditions:
Junctional epidermolysis bullosa with pyloric atresia. Also called: Epidermolysis bullosa, junctional, with pyloric atresia and aplasia cutis congenita; Epidermolysis bullosa junctionalis with pyloric atresia; APLASIA CUTIS CONGENITA WITH GASTROINTESTINAL ATRESIA; CARMI SYNDROME; EB-PA-ACC; EPIDERMOLYSIS BULLOSA, JUNCTIONAL 5B, WITH PYLORIC ATRESIA. Identifiers: Orphanet 79403, MedGen C5676875, MONDO:0009183, OMIM 226730.

Allele frequency attached by ClinVar (database versions not stated): 1000 Genomes Project 0.00240; 1000 Genomes Project 30x 0.00281; ExAC 0.00487; gnomAD 0.00505 and 0.00515; ESP Exome Variant Server 0.00508; gnomAD exomes 0.00523 and 0.00628; TOPMed 0.00532.
gnomAD v4.1: 9,836 of 1,594,128 alleles (0.62%); highest among the groups gnomAD compares: Middle Eastern, 0.86%; 47 homozygotes.

Submissions (6):

Labcorp Genetics (formerly Invitae), Labcorp
Classification: Benign. Last evaluated: 2026-02-01. Review status: criteria provided, single submitter. Criteria: Invitae Variant Classification Sherloc (09022015). Collection method: clinical testing. Allele origin: germline.

CeGaT Center for Human Genetics Tuebingen
Classification: Likely benign. Last evaluated: 2025-10-01. Review status: criteria provided, single submitter. Criteria: CeGaT Center For Human Genetics Tuebingen Variant Classification Criteria Version 2. Collection method: clinical testing. Allele origin: germline. Affected: yes. Observed: 1 variant allele.
Comment: ITGA6: BP4, BS2

Illumina Laboratory Services, Illumina
Classification: Likely benign for Junctional epidermolysis bullosa with pyloric atresia. Last evaluated: 2018-01-13. Review status: criteria provided, single submitter. Criteria: ICSL Variant Classification Criteria 13 December 2019. Collection method: clinical testing. Allele origin: germline.
Comment: This variant was observed in the ICSL laboratory as part of a predisposition screen in an ostensibly healthy population. It had not been previously curated by ICSL or reported in the Human Gene Mutation Database (HGMD: prior to June 1st, 2018), and was therefore a candidate for classification through an automated scoring system. Utilizing variant allele frequency, disease prevalence and penetrance estimates, and inheritance mode, an automated score was calculated to assess if this variant is too frequent to cause the disease. Based on the score and internal cut-off values, a variant classified as likely benign is not then subjected to further curation. The score for this variant resulted in a classification of likely benign for this disease.

Breakthrough Genomics
Classification: Likely benign. Review status: criteria provided, single submitter. Criteria: ACMG Guidelines, 2015. Collection method: not provided. Allele origin: germline. Inheritance: Autosomal recessive inheritance. Affected: yes.

Diagnostic Laboratory, Department of Genetics, University Medical Center Groningen
Classification: Likely benign. Review status: no assertion criteria provided. Collection method: clinical testing. Allele origin: germline. Affected: yes. Study: VKGL Data-share Consensus. Not counted in ClinVar's aggregate classification.

Laboratory of Diagnostic Genome Analysis, Leiden University Medical Center (LUMC)
Classification: Likely benign. Review status: no assertion criteria provided. Collection method: clinical testing. Allele origin: germline. Affected: yes. Study: VKGL Data-share Consensus. Not counted in ClinVar's aggregate classification.